The following is an entry in ClinVar:

NM_000180.4(GUCY2D):c.1026+2T>C

Gene: GUCY2D (guanylate cyclase 2D, retinal; plus strand). Cytogenetic location: 17p13.1.
Variant type: single nucleotide variant.
Coding change: c.1026+2T>C on transcript NM_000180.4 (MANE Select); the canonical splice donor site of the intron after coding-DNA position 1026, T replaced by C.
Molecular consequence: splice donor variant.
Genome position (GRCh38, 1-based): chr17:8,004,158, T>C. VCF-style: chr17-8004158-T-C. GRCh37 (hg19) VCF-style: chr17-7907476-T-C.
Identifiers: ClinVar variation 2933720 (VCV002933720.3), dbSNP rs1000501472, ClinGen allele CA287523718.

ClinVar aggregate classification (germline): Likely pathogenic (1 of 4 stars; one submission).

Conditions:
Leber congenital amaurosis 1 (LCA1). Also called: AMAUROSIS CONGENITA OF LEBER I; RETINAL BLINDNESS, CONGENITAL; Congenital absence of the rods and cones; Leber's congenital tapetoretinal degeneration; Leber's congenital tapetoretinal dysplasia. Identifiers: Orphanet 65, MedGen C2931258, MONDO:0008764, OMIM 204000.
Cone-rod dystrophy 6 (CORD6). Also called: RETINAL CONE DYSTROPHY 2; Cone dystrophy progressive. Identifiers: Orphanet 1872, MedGen C1866293, MONDO:0011143, OMIM 601777.

Allele frequency attached by ClinVar (database versions not stated): gnomAD exomes below 0.00001; TOPMed below 0.00001; gnomAD 0.00001.
gnomAD v4.1: 2 of 1,587,266 alleles (0.00013%); highest among the groups gnomAD compares: African/African-American, 0.0013%; no homozygotes.

Submission:

Labcorp Genetics (formerly Invitae), Labcorp
Classification: Likely pathogenic for Leber congenital amaurosis 1; Cone-rod dystrophy 6. Last evaluated: 2024-01-04. Review status: criteria provided, single submitter. Criteria: Invitae Variant Classification Sherloc (09022015). Collection method: clinical testing. Allele origin: germline.
Comment: This sequence change affects a donor splice site in intron 3 of the GUCY2D gene. It is expected to disrupt RNA splicing. Variants that disrupt the donor or acceptor splice site typically lead to a loss of protein function (PMID: 16199547), and loss-of-function variants in GUCY2D are known to be pathogenic (PMID: 10951519, 11328726). This variant is not present in population databases (gnomAD no frequency). This variant has not been reported in the literature in individuals affected with GUCY2D-related conditions. Algorithms developed to predict the effect of sequence changes on RNA splicing suggest that this variant may disrupt the consensus splice site. In summary, the currently available evidence indicates that the variant is pathogenic, but additional data are needed to prove that conclusively. Therefore, this variant has been classified as Likely Pathogenic.

Literature cited by the submitters: PubMed 16199547; PubMed 10951519; PubMed 11328726.